The following is an entry in ClinVar:

NM_206933.4(USH2A):c.8682G>T (p.Arg2894Ser)

Gene: USH2A (usherin; minus strand). Cytogenetic location: 1q41.
Variant type: single nucleotide variant.
Coding change: c.8682G>T on transcript NM_206933.4 (MANE Select); coding-DNA position 8682, G replaced by T.
Protein change: p.Arg2894Ser; replaces arginine 2894 with serine.
Molecular consequence: missense variant.
Genome position (GRCh38, 1-based): chr1:215,867,170, C>A on the plus strand (G>T on the coding strand, the complement: USH2A is on the minus strand). VCF-style: chr1-215867170-C-A. GRCh37 (hg19) VCF-style: chr1-216040512-C-A.
Other names: short protein forms R2894S.
Identifiers: ClinVar variation 953821 (VCV000953821.10), dbSNP rs773808835, ClinGen allele CA344851532.

ClinVar aggregate classification (germline): Uncertain significance. Review status: criteria provided, multiple submitters, no conflicts (2 of 4 stars). 2 submissions from 2 submitters: Uncertain significance (2). Last evaluated 2026-05-06.

gnomAD v4.1: 1 of 1,613,778 alleles (0.000062%); no homozygotes.

Submissions (2):

Women's Health and Genetics/Laboratory Corporation of America, LabCorp
Classification: Uncertain significance. Last evaluated: 2026-05-06. Review status: criteria provided, single submitter. Criteria: LabCorp Variant Classification Summary - May 2015. Collection method: clinical testing. Allele origin: germline.
Comment: Variant summary: USH2A c.8682G>T (p.Arg2894Ser) results in a non-conservative amino acid change in the encoded protein sequence near a canonical splice site. Algorithms developed to predict the effect of missense changes on protein structure and function are either unavailable or do not agree on the potential impact of this missense change. Consensus agreement among computation tools predict no significant impact on normal splicing. However, these predictions have yet to be confirmed by functional studies. The variant allele was found at a frequency of 4e-06 in 250658 control chromosomes. The available data on variant occurrences in the general population are insufficient to allow any conclusion about variant significance. To our knowledge, no occurrence of c.8682G>T in individuals affected with USH2A-related conditions and no experimental evidence demonstrating its impact on protein function have been reported. ClinVar contains an entry for this variant (Variation ID: 953821). Based on the evidence outlined above, the variant was classified as uncertain significance.

Labcorp Genetics (formerly Invitae), Labcorp
Classification: Uncertain significance. Last evaluated: 2023-07-10. Review status: criteria provided, single submitter. Criteria: Invitae Variant Classification Sherloc (09022015). Collection method: clinical testing. Allele origin: germline.
Comment: This sequence change replaces arginine, which is basic and polar, with serine, which is neutral and polar, at codon 2894 of the USH2A protein (p.Arg2894Ser). This variant is present in population databases (no rsID available, gnomAD 0.0009%). This variant has not been reported in the literature in individuals affected with USH2A-related conditions. ClinVar contains an entry for this variant (Variation ID: 953821). An algorithm developed to predict the effect of missense changes on protein structure and function (PolyPhen-2) suggests that this variant is likely to be disruptive. Algorithms developed to predict the effect of sequence changes on RNA splicing suggest that this variant may disrupt the consensus splice site. This variant disrupts the p.Arg2894 amino acid residue in USH2A. Other variant(s) that disrupt this residue have been determined to be pathogenic (PMID: 25211151). This suggests that this residue is clinically significant, and that variants that disrupt this residue are likely to be disease-causing. In summary, the available evidence is currently insufficient to determine the role of this variant in disease. Therefore, it has been classified as a Variant of Uncertain Significance.

Literature cited by the submitters: PubMed 25211151 (cited by Labcorp Genetics (formerly Invitae), Labcorp).